The following is an entry in ClinVar:

NM_020911.2(PLXNA4):c.5663C>T (p.Thr1888Ile)

Gene: PLXNA4 (plexin A4; minus strand). Cytogenetic location: 7q32.3.
Variant type: single nucleotide variant.
Coding change: c.5663C>T on transcript NM_020911.2 (MANE Select); coding-DNA position 5663, C replaced by T.
Protein change: p.Thr1888Ile; replaces threonine 1888 with isoleucine.
Molecular consequence: missense variant.
Genome position (GRCh38, 1-based): chr7:132,130,501, G>A on the plus strand (C>T on the coding strand, the complement: PLXNA4 is on the minus strand). VCF-style: chr7-132130501-G-A. GRCh37 (hg19) VCF-style: chr7-131815260-G-A.
Other names: c.5663C>T, p.Thr1888Ile (NM_001393897.1); short protein forms T1888I.
Identifiers: ClinVar variation 4978063 (VCV004978063.1).
Genomic context (GRCh38, chr7:132,130,501, plus strand): 5'-GTGTGTCCCCCTCCAGGGCGGCCCTGGAAGGACGGTTCTCAGCTGTCTAAGCTCATGAGG[G>A]TTATGACTTGTTCTAGTTTGTAGGCCAGTTTCTGCTTCCCACACTGGTCATCGTGGTCCA-3'
Protein context (NP_065962.1, residues 1878-1894): KLAYKLEQVI[Thr1888Ile]LMSLDS

ClinVar aggregate classification (germline): Uncertain significance (1 of 4 stars; one submission).

Conditions:
PLXNA4-related disorder. Also called: PLXNA4-related condition.

gnomAD v4.1: 47 of 1,614,074 alleles (0.0029%); highest among the groups gnomAD compares: East Asian, 0.1%; no homozygotes.

Submission:

PreventionGenetics, part of Exact Sciences
Classification: Uncertain significance for PLXNA4-related condition. Last evaluated: 2024-12-17. Review status: criteria provided, single submitter. Criteria: ACMG Guidelines, 2015. Collection method: clinical testing. Allele origin: germline.
Comment: The PLXNA4 c.5663C>T variant is predicted to result in the amino acid substitution p.Thr1888Ile. To our knowledge, this variant has not been reported in the literature. This variant is reported in 0.00088% of alleles in individuals of European (Non-Finnish) descent in gnomAD. At this time, the clinical significance of this variant is uncertain due to the absence of conclusive functional and genetic evidence.